The following is an entry in ClinVar:

ClinVar aggregate classification (germline): Uncertain significance (1 of 4 stars; one submission).

Conditions:
Gastrointestinal stromal tumor. Also called: Gastrointestinal stromal tumor, somatic; Gastrointestinal stroma tumor. Identifiers: Orphanet 44890, MedGen C0238198, MeSH D046152, MONDO:0011719, OMIM 606764, HP:0100723.

gnomAD v4.1: 1 of 1,603,756 alleles (0.000062%); highest among the groups gnomAD compares: Admixed American, 0.0017%; no homozygotes.

Submission:

Labcorp Genetics (formerly Invitae), Labcorp
Classification: Uncertain significance for Gastrointestinal stromal tumor. Last evaluated: 2024-12-30. Review status: criteria provided, single submitter. Criteria: Invitae Variant Classification Sherloc (09022015). Collection method: clinical testing. Allele origin: germline.
Comment: This sequence change replaces isoleucine, which is neutral and non-polar, with threonine, which is neutral and polar, at codon 403 of the KIT protein (p.Ile403Thr). This variant is present in population databases (no rsID available, gnomAD 0.003%). This variant has not been reported in the literature in individuals affected with KIT-related conditions. An algorithm developed to predict the effect of missense changes on protein structure and function (PolyPhen-2) suggests that this variant is likely to be tolerated. In summary, the available evidence is currently insufficient to determine the role of this variant in disease. Therefore, it has been classified as a Variant of Uncertain Significance.

NM_000222.3(KIT):c.1208T>C (p.Ile403Thr)

Gene: KIT (KIT proto-oncogene, receptor tyrosine kinase; plus strand). Cytogenetic location: 4q12.
Variant type: single nucleotide variant.
Coding change: c.1208T>C on transcript NM_000222.3 (MANE Select); coding-DNA position 1208, T replaced by C.
Protein change: p.Ile403Thr; replaces isoleucine 403 with threonine.
Molecular consequence: missense variant.
Genome position (GRCh38, 1-based): chr4:54,709,516, T>C. VCF-style: chr4-54709516-T-C. GRCh37 (hg19) VCF-style: chr4-55575682-T-C.
Other names: c.1208T>C, p.Ile403Thr (NM_001093772.2, NM_001385285.1, NM_001385286.1); c.1211T>C, p.Ile404Thr (NM_001385284.1, NM_001385288.1, NM_001385290.1 and 1 more transcripts); short protein forms I403T, I404T.
Identifiers: ClinVar variation 3609061 (VCV003609061.2).
Genomic context (GRCh38, chr4:54,709,516, plus strand): 5'-AAGGCACCGAAGGAGGCACTTACACATTCCTAGTGTCCAATTCTGACGTCAATGCTGCCA[T>C]AGCATTTAATGTTTATGTGAATAGTAAGTAACATGAAGGGCTCCTTTTAATTTTTTATTC-3'
Protein context (NP_000213.1, residues 393-413): LVSNSDVNAA[Ile403Thr]AFNVYVNTKP